The following is an entry in ClinVar:

ClinVar aggregate classification (germline): Uncertain significance (1 of 4 stars; one submission).

Conditions:
Supravalvar aortic stenosis (SVAS). Also called: Supravalvar aortic stenosis, Eisenberg type. Identifiers: Orphanet 3193, MedGen C0003499, MONDO:0008504, OMIM 185500, HP:0004381.

Allele frequency attached by ClinVar (database versions not stated): ExAC 0.00002; gnomAD 0.00002; TOPMed 0.00002; gnomAD exomes 0.00003.
gnomAD v4.1: 41 of 1,614,020 alleles (0.0025%); highest among the groups gnomAD compares: Non-Finnish European, 0.0032%; no homozygotes.

Submission:

Labcorp Genetics (formerly Invitae), Labcorp
Classification: Uncertain significance for Supravalvar aortic stenosis. Last evaluated: 2025-11-10. Review status: criteria provided, single submitter. Criteria: Invitae Variant Classification Sherloc (09022015). Collection method: clinical testing. Allele origin: germline.
Comment: This sequence change falls in intron 16 of the ELN gene. It does not directly change the encoded amino acid sequence of the ELN protein. This variant is present in population databases (rs782799784, gnomAD 0.004%). This variant has not been reported in the literature in individuals affected with ELN-related conditions. ClinVar contains an entry for this variant (Variation ID: 2419171). Algorithms developed to predict the effect of sequence changes on RNA splicing suggest that this variant may disrupt the consensus splice site. In summary, the available evidence is currently insufficient to determine the role of this variant in disease. Therefore, it has been classified as a Variant of Uncertain Significance.

NM_000501.4(ELN):c.890-14G>A

Gene: ELN (elastin; plus strand). Cytogenetic location: 7q11.23.
Variant type: single nucleotide variant.
Coding change: c.890-14G>A on transcript NM_000501.4 (MANE Select); 14 bases into the intron before coding-DNA position 890, G replaced by A.
Molecular consequence: intron variant.
Genome position (GRCh38, 1-based): chr7:74,051,910, G>A. VCF-style: chr7-74051910-G-A. GRCh37 (hg19) VCF-style: chr7-73466240-G-A.
Other names: c.905-14G>A (NM_001081754.3, NM_001081753.3); c.890-14G>A (NM_001278939.2, NM_001278915.2, NM_001278912.2 and 1 more transcripts); c.848-14G>A (NM_001278916.2); c.782-14G>A (NM_001278913.2); c.875-14G>A (NM_001278914.2); c.860-14G>A (NM_001278917.2, NM_001081752.3); c.758-14G>A (NM_001278918.2).
Identifiers: ClinVar variation 2419171 (VCV002419171.6), dbSNP rs782799784, ClinGen allele CA4292747.